The following is an entry in ClinVar:

ClinVar aggregate classification (germline): Uncertain significance (1 of 4 stars; one submission).

Conditions:
Adenylosuccinate lyase deficiency (ADSLD). Also called: ADSL DEFICIENCY. Identifiers: Orphanet 46, MedGen C0268126, MONDO:0007068, OMIM 103050.

gnomAD v4.1: 1 of 1,613,038 alleles (0.000062%); highest among the groups gnomAD compares: Non-Finnish European, 0.000085%; no homozygotes.

Submission:

Labcorp Genetics (formerly Invitae), Labcorp
Classification: Uncertain significance for Adenylosuccinate lyase deficiency. Last evaluated: 2022-08-09. Review status: criteria provided, single submitter. Criteria: Invitae Variant Classification Sherloc (09022015). Collection method: clinical testing. Allele origin: germline.
Comment: This variant is not present in population databases (gnomAD no frequency). This sequence change replaces arginine, which is basic and polar, with leucine, which is neutral and non-polar, at codon 338 of the ADSL protein (p.Arg338Leu). This variant has not been reported in the literature in individuals affected with ADSL-related conditions. In summary, the available evidence is currently insufficient to determine the role of this variant in disease. Therefore, it has been classified as a Variant of Uncertain Significance. Algorithms developed to predict the effect of missense changes on protein structure and function (SIFT, PolyPhen-2, Align-GVGD) all suggest that this variant is likely to be disruptive.

NM_000026.4(ADSL):c.1013G>T (p.Arg338Leu)

Gene: ADSL (adenylosuccinate lyase; plus strand). Cytogenetic location: 22q13.1.
Variant type: single nucleotide variant.
Coding change: c.1013G>T on transcript NM_000026.4 (MANE Select); coding-DNA position 1013, G replaced by T.
Protein change: p.Arg338Leu; replaces arginine 338 with leucine.
Molecular consequence: missense variant. On other transcripts: non-coding transcript variant (1).
Genome position (GRCh38, 1-based): chr22:40,362,983, G>T. VCF-style: chr22-40362983-G-T. GRCh37 (hg19) VCF-style: chr22-40758987-G-T.
Other names: c.1013G>T, p.Arg338Leu (NM_001123378.3, NM_001363840.3, NM_001410812.1 and 1 more transcripts); c.821G>T, p.Arg274Leu (NM_001317923.2); c.968G>T, p.Arg323Leu (NM_001410814.1); short protein forms R274L, R323L, R338L.
Identifiers: ClinVar variation 1715782 (VCV001715782.5), dbSNP rs1046009538, ClinGen allele CA411645489.